The following is an entry in ClinVar:

NM_000444.6(PHEX):c.479T>C (p.Leu160Pro)

Gene: PHEX (phosphate regulating endopeptidase X-linked; plus strand). Cytogenetic location: Xp22.11.
Variant type: single nucleotide variant.
Coding change: c.479T>C on transcript NM_000444.6 (MANE Select); coding-DNA position 479, T replaced by C.
Protein change: p.Leu160Pro; replaces leucine 160 with proline.
Molecular consequence: missense variant.
Genome position (GRCh38, 1-based): chrX:22,077,518, T>C. VCF-style: chrX-22077518-T-C. GRCh37 (hg19) VCF-style: chrX-22095636-T-C.
Other names: c.479T>C, p.Leu160Pro (NM_001282754.2); short protein forms L160P.
Identifiers: ClinVar variation 1064139 (VCV001064139.9), dbSNP rs2147020424, ClinGen allele CA412571317.
Genomic context (GRCh38, chrX:22,077,518, plus strand): 5'-ATATCTGCTCCCTTTCAGAAGCGATTGAAAAAGCAGATGCCAAGCCACTGCTACACATCC[T>C]ACGGCATTCACCTTTCCGCTGGCCCGTGCTTGAATCTAATATTGGCCCTGAAGGGGTTTG-3'
Protein context (NP_000435.3, residues 150-170): KADAKPLLHI[Leu160Pro]RHSPFRWPVL

ClinVar aggregate classification (germline): Likely pathogenic (1 of 4 stars; one submission).

Submission:

Labcorp Genetics (formerly Invitae), Labcorp
Classification: Likely pathogenic. Last evaluated: 2020-11-25. Review status: criteria provided, single submitter. Criteria: Invitae Variant Classification Sherloc (09022015). Collection method: clinical testing. Allele origin: germline.
Comment: In summary, the currently available evidence indicates that the variant is pathogenic, but additional data are needed to prove that conclusively. Therefore, this variant has been classified as Likely Pathogenic. Algorithms developed to predict the effect of missense changes on protein structure and function (SIFT, PolyPhen-2, Align-GVGD) all suggest that this variant is likely to be disruptive, but these predictions have not been confirmed by published functional studies and their clinical significance is uncertain. This variant has been observed in individual(s) with clinical features of hypophosphatemic rickets (Invitae). In at least one individual the variant was observed to be de novo. This variant is not present in population databases (ExAC no frequency). This sequence change replaces leucine with proline at codon 160 of the PHEX protein (p.Leu160Pro). The leucine residue is highly conserved and there is a moderate physicochemical difference between leucine and proline.